The following is an entry in ClinVar:

NM_000548.5(TSC2):c.4348C>G (p.Pro1450Ala)

Gene: TSC2 (TSC complex subunit 2; plus strand). Cytogenetic location: 16p13.3.
Variant type: single nucleotide variant.
Coding change: c.4348C>G on transcript NM_000548.5 (MANE Select); coding-DNA position 4348, C replaced by G.
Protein change: p.Pro1450Ala; replaces proline 1450 with alanine.
Molecular consequence: missense variant.
Genome position (GRCh38, 1-based): chr16:2,084,570, C>G. VCF-style: chr16-2084570-C-G. GRCh37 (hg19) VCF-style: chr16-2134571-C-G.
Other names: c.4147C>G, p.Pro1383Ala (NM_001077183.3); c.4279C>G, p.Pro1427Ala (NM_001114382.3); c.4039C>G, p.Pro1347Ala (NM_001318827.2); c.4003C>G, p.Pro1335Ala (NM_001318829.2); c.3616C>G, p.Pro1206Ala (NM_001318831.2); c.4180C>G, p.Pro1394Ala (NM_001318832.2); c.4150C>G, p.Pro1384Ala (NM_001363528.2); c.4216C>G, p.Pro1406Ala (NM_001370404.1); and 1 more; short protein forms P1450A, P1206A, P1347A, P1335A, P1406A, P1427A, P1383A, P1384A.
Identifiers: ClinVar variation 468083 (VCV000468083.20), dbSNP rs376381196, ClinGen allele CA050903.
Genomic context (GRCh38, chr16:2,084,570, plus strand): 5'-TGGTCGGCCTCGGGCGAAGACAGTCGGGGCCAGCCCGAGGGTCCCTTGCCTTCCAGCTCC[C>G]CCCGCTCGCCCAGTGGCCTCCGGCCCCGAGGTTACACCATCTCCGACTCGGCCCCATCAC-3'
Protein context (NP_000539.2, residues 1440-1460): QPEGPLPSSS[Pro1450Ala]RSPSGLRPRG

ClinVar aggregate classification (germline): Benign/Likely benign. Review status: criteria provided, multiple submitters, no conflicts (2 of 4 stars). 4 submissions from 4 submitters: Benign (1); Likely benign (3). Last evaluated 2026-04-13.

Conditions:
Hereditary cancer-predisposing syndrome. Also called: Tumor predisposition; Hereditary neoplastic syndrome; Neoplastic Syndromes, Hereditary; Hereditary Cancer Syndrome. Identifiers: Orphanet 140162, MedGen C0027672, MeSH D009386, MONDO:0015356.
Tuberous sclerosis 2 (TSC2). Identifiers: Orphanet 805, MedGen C1860707, MONDO:0013199, OMIM 613254.

Allele frequency attached by ClinVar (database versions not stated): TOPMed 0.00001; ESP Exome Variant Server 0.00008; gnomAD 0.00001.
gnomAD v4.1: 5 of 1,607,526 alleles (0.00031%); highest among the groups gnomAD compares: Non-Finnish European, 0.00042%; no homozygotes.

Submissions (4):

Ambry Genetics
Classification: Likely benign for Hereditary cancer-predisposing syndrome. Last evaluated: 2026-04-13. Review status: criteria provided, single submitter. Criteria: Ambry Variant Classification Scheme 2023. Collection method: clinical testing. Allele origin: germline.

Labcorp Genetics (formerly Invitae), Labcorp
Classification: Likely benign for Tuberous sclerosis 2. Last evaluated: 2024-12-29. Review status: criteria provided, single submitter. Criteria: Invitae Variant Classification Sherloc (09022015). Collection method: clinical testing. Allele origin: germline.

Genome-Nilou Lab
Classification: Benign for Tuberous sclerosis 2. Last evaluated: 2021-11-07. Review status: criteria provided, single submitter. Criteria: ACMG Guidelines, 2015. Collection method: clinical testing. Allele origin: germline. Affected: no.

GeneDx
Classification: Likely benign. Last evaluated: 2019-06-17. Review status: criteria provided, single submitter. Criteria: GeneDx Variant Classification Process June 2021. Collection method: clinical testing. Allele origin: germline. Affected: yes.
Comment: In silico analysis, which includes protein predictors and evolutionary conservation, supports a deleterious effect; Has not been previously published as pathogenic or benign to our knowledge; Substitution does not occur within known functional domains of the tuberin protein, where many pathogenic missense variants have been identified (Northrup et al., 2018; Au et al., 2007)